The following is an entry in ClinVar:

ClinVar aggregate classification (germline): Uncertain significance (1 of 4 stars; one submission).

Allele frequency attached by ClinVar (database versions not stated): gnomAD exomes 0.00002; ExAC 0.00003; TOPMed 0.00003; gnomAD 0.00005 and 0.00006; ESP Exome Variant Server 0.00008.

Submission:

Labcorp Genetics (formerly Invitae), Labcorp
Classification: Uncertain significance. Last evaluated: 2026-02-01. Review status: criteria provided, single submitter. Criteria: Invitae Variant Classification Sherloc (09022015). Collection method: clinical testing. Allele origin: germline.
Comment: This sequence change replaces valine, which is neutral and non-polar, with isoleucine, which is neutral and non-polar, at codon 554 of the ZCCHC8 protein (p.Val554Ile). This variant is present in population databases (rs370436302, gnomAD 0.006%). This variant has not been reported in the literature in individuals affected with ZCCHC8-related conditions. ClinVar contains an entry for this variant (Variation ID: 1420624). Invitae Evidence Modeling of protein sequence and biophysical properties (such as structural, functional, and spatial information, amino acid conservation, physicochemical variation, residue mobility, and thermodynamic stability) indicates that this missense variant is not expected to disrupt ZCCHC8 protein function with a negative predictive value of 80%. In summary, the available evidence is currently insufficient to determine the role of this variant in disease. Therefore, it has been classified as a Variant of Uncertain Significance.

NM_017612.5(ZCCHC8):c.1660G>A (p.Val554Ile)

Gene: ZCCHC8 (zinc finger CCHC-type containing 8; minus strand). Cytogenetic location: 12q24.31.
Variant type: single nucleotide variant.
Coding change: c.1660G>A on transcript NM_017612.5 (MANE Select); coding-DNA position 1660, G replaced by A.
Protein change: p.Val554Ile; replaces valine 554 with isoleucine.
Molecular consequence: missense variant.
Genome position (GRCh38, 1-based): chr12:122,473,961, C>T on the plus strand (G>A on the coding strand, the complement: ZCCHC8 is on the minus strand). VCF-style: chr12-122473961-C-T. GRCh37 (hg19) VCF-style: chr12-122958508-C-T.
Other names: c.1429G>A, p.Val477Ile (NM_001350935.2); c.1363G>A, p.Val455Ile (NM_001350936.2); c.946G>A, p.Val316Ile (NM_001350937.2, NM_001350938.2); short protein forms V316I, V455I, V554I, V477I.
Identifiers: ClinVar variation 1420624 (VCV001420624.8), dbSNP rs370436302, ClinGen allele CA6846115.